The following is an entry in ClinVar:

ClinVar aggregate classification (germline): Uncertain significance. Review status: criteria provided, multiple submitters, no conflicts (2 of 4 stars). 2 submissions from 2 submitters: Uncertain significance (2). Last evaluated 2025-04-10.

Conditions:
Cardiovascular phenotype. Identifiers: MedGen CN230736.

Allele frequency attached by ClinVar (database versions not stated): gnomAD 0.00001 and 0.00002; gnomAD exomes 0.00001; ExAC 0.00001.
gnomAD v4.1: 14 of 1,613,746 alleles (0.00087%); highest among the groups gnomAD compares: Admixed American, 0.0017%; no homozygotes.

Submissions (2):

Ambry Genetics
Classification: Uncertain significance for Cardiovascular phenotype. Last evaluated: 2025-04-10. Review status: criteria provided, single submitter. Criteria: Ambry Variant Classification Scheme 2023. Collection method: clinical testing. Allele origin: germline.
Comment: The p.R77Q variant (also known as c.230G>A), located in coding exon 3 of the PRDM5 gene, results from a G to A substitution at nucleotide position 230. The arginine at codon 77 is replaced by glutamine, an amino acid with highly similar properties. This amino acid position is conserved. In addition, the in silico prediction for this alteration is inconclusive. Since supporting evidence is limited at this time, the clinical significance of this alteration remains unclear.

Labcorp Genetics (formerly Invitae), Labcorp
Classification: Uncertain significance. Last evaluated: 2021-12-13. Review status: criteria provided, single submitter. Criteria: Invitae Variant Classification Sherloc (09022015). Collection method: clinical testing. Allele origin: germline.
Comment: This sequence change replaces arginine, which is basic and polar, with glutamine, which is neutral and polar, at codon 77 of the PRDM5 protein (p.Arg77Gln). This variant is present in population databases (rs750942328, gnomAD 0.006%). This variant has not been reported in the literature in individuals affected with PRDM5-related conditions. Algorithms developed to predict the effect of missense changes on protein structure and function are either unavailable or do not agree on the potential impact of this missense change (SIFT: "Deleterious"; PolyPhen-2: "Benign"; Align-GVGD: "Class C35"). Algorithms developed to predict the effect of sequence changes on RNA splicing suggest that this variant may create or strengthen a splice site. In summary, the available evidence is currently insufficient to determine the role of this variant in disease. Therefore, it has been classified as a Variant of Uncertain Significance.

NM_018699.4(PRDM5):c.230G>A (p.Arg77Gln)

Gene: PRDM5 (PR/SET domain 5; minus strand). Cytogenetic location: 4q27.
Variant type: single nucleotide variant.
Coding change: c.230G>A on transcript NM_018699.4 (MANE Select); coding-DNA position 230, G replaced by A.
Protein change: p.Arg77Gln; replaces arginine 77 with glutamine.
Molecular consequence: missense variant.
Genome position (GRCh38, 1-based): chr4:120,853,488, C>T on the plus strand (G>A on the coding strand, the complement: PRDM5 is on the minus strand). VCF-style: chr4-120853488-C-T. GRCh37 (hg19) VCF-style: chr4-121774643-C-T.
Other names: c.230G>A, p.Arg77Gln (NM_001300823.2, NM_001300824.2, NM_001379104.1 and 1 more transcripts); c.230G>A (NM_018699.2); short protein forms R77Q.
Identifiers: ClinVar variation 1428462 (VCV001428462.5), dbSNP rs750942328, ClinGen allele CA3061454.